The following is an entry in ClinVar:

ClinVar aggregate classification (germline): Uncertain significance. Review status: criteria provided, multiple submitters, no conflicts (2 of 4 stars). 2 submissions from 2 submitters: Uncertain significance (2). Last evaluated 2025-07-07.

Conditions:
Familial melanoma. Also called: Hereditary melanoma; Hereditary cutaneous melanoma. Identifiers: Orphanet 618, MedGen C1512419, MONDO:0018961.
Hereditary cancer-predisposing syndrome. Also called: Neoplastic Syndromes, Hereditary; Tumor predisposition; Hereditary Cancer Syndrome; Hereditary neoplastic syndrome. Identifiers: Orphanet 140162, MedGen C0027672, MeSH D009386, MONDO:0015356.

Submissions (2):

Labcorp Genetics (formerly Invitae), Labcorp
Classification: Uncertain significance for Familial melanoma. Last evaluated: 2025-07-07. Review status: criteria provided, single submitter. Criteria: Invitae Variant Classification Sherloc (09022015). Collection method: clinical testing. Allele origin: germline.
Comment: This sequence change replaces glycine, which is neutral and non-polar, with aspartic acid, which is acidic and polar, at codon 111 of the CDK4 protein (p.Gly111Asp). This variant is not present in population databases (gnomAD no frequency). This variant has not been reported in the literature in individuals affected with CDK4-related conditions. ClinVar contains an entry for this variant (Variation ID: 1730298). Invitae Evidence Modeling of protein sequence and biophysical properties (such as structural, functional, and spatial information, amino acid conservation, physicochemical variation, residue mobility, and thermodynamic stability) indicates that this missense variant is not expected to disrupt CDK4 protein function with a negative predictive value of 95%. In summary, the available evidence is currently insufficient to determine the role of this variant in disease. Therefore, it has been classified as a Variant of Uncertain Significance.

Ambry Genetics
Classification: Uncertain significance for Hereditary cancer-predisposing syndrome. Last evaluated: 2020-12-21. Review status: criteria provided, single submitter. Criteria: Ambry Variant Classification Scheme 2023. Collection method: clinical testing. Allele origin: germline.
Comment: The p.G111D variant (also known as c.332G>A), located in coding exon 2 of the CDK4 gene, results from a G to A substitution at nucleotide position 332. The glycine at codon 111 is replaced by aspartic acid, an amino acid with similar properties. This amino acid position is well conserved in available vertebrate species. In addition, the in silico prediction for this alteration is inconclusive. Since supporting evidence is limited at this time, the clinical significance of this alteration remains unclear.

NM_000075.4(CDK4):c.332G>A (p.Gly111Asp)

Gene: CDK4 (cyclin dependent kinase 4; minus strand). Cytogenetic location: 12q14.1.
Variant type: single nucleotide variant.
Coding change: c.332G>A on transcript NM_000075.4 (MANE Select); coding-DNA position 332, G replaced by A.
Protein change: p.Gly111Asp; replaces glycine 111 with aspartic acid.
Molecular consequence: missense variant.
Genome position (GRCh38, 1-based): chr12:57,751,229, C>T on the plus strand (G>A on the coding strand, the complement: CDK4 is on the minus strand). VCF-style: chr12-57751229-C-T. GRCh37 (hg19) VCF-style: chr12-58145012-C-T.
Other names: short protein forms G111D.
Identifiers: ClinVar variation 1730298 (VCV001730298.5), dbSNP rs766166813, ClinGen allele CA385547600.